The following is an entry in ClinVar:

NM_152327.5(AK7):c.1743G>A (p.Pro581=)

Gene: AK7 (adenylate kinase 7; plus strand). Cytogenetic location: 14q32.2.
Variant type: single nucleotide variant.
Coding change: c.1743G>A on transcript NM_152327.5 (MANE Select); coding-DNA position 1743, G replaced by A.
Protein change: p.Pro581=; no amino-acid change (proline 581 retained).
Molecular consequence: synonymous variant.
Genome position (GRCh38, 1-based): chr14:96,478,652, G>A. VCF-style: chr14-96478652-G-A. GRCh37 (hg19) VCF-style: chr14-96944989-G-A.
Other names: c.1674G>A, p.Pro558= (NM_001350888.2, NM_001350890.2); c.1665G>A, p.Pro555= (NM_001350891.2); c.1545G>A, p.Pro515= (NM_001350892.2); c.1743G>A (NM_152327.3).
Identifiers: ClinVar variation 1590626 (VCV001590626.10), dbSNP rs115457371, ClinGen allele CA7337937.
Genomic context (GRCh38, chr14:96,478,652, plus strand): 5'-GGACATCAATATCGACGATGAGACTGTCTTCAACTATTTTGATGAACTTGAAATTCACCC[G>A]ATACATATTGGTATGAAATGAATTCAAGGATAATGTGAATGTCCAGGACCCCCAGCAAAG-3'
Protein context (NP_689540.2, residues 571-591): FNYFDELEIH[Pro581=]IHIDVGKLED

ClinVar aggregate classification (germline): Benign/Likely benign. Review status: criteria provided, multiple submitters, no conflicts (2 of 4 stars). 3 submissions from 3 submitters: Benign (2); Likely benign (1). Last evaluated 2025-12-23.

Conditions:
AK7-related disorder. Also called: AK7-related condition.

Allele frequency attached by ClinVar (database versions not stated): ExAC 0.00036; 1000 Genomes Project 30x 0.00094; gnomAD 0.00104 and 0.00110; 1000 Genomes Project 0.00120; ESP Exome Variant Server 0.00123.
gnomAD v4.1: 331 of 1,613,678 alleles (0.021%); highest among the groups gnomAD compares: African/African-American, 0.3%; 5 homozygotes.

Submissions (3):

Labcorp Genetics (formerly Invitae), Labcorp
Classification: Benign. Last evaluated: 2025-12-23. Review status: criteria provided, single submitter. Criteria: Invitae Variant Classification Sherloc (09022015). Collection method: clinical testing. Allele origin: germline.

PreventionGenetics, part of Exact Sciences
Classification: Likely benign for AK7-related condition. Last evaluated: 2025-03-15. Review status: criteria provided, single submitter. Criteria: ACMG Guidelines, 2015. Collection method: clinical testing. Allele origin: germline.
Comment: This variant is classified as likely benign based on ACMG/AMP sequence variant interpretation guidelines (Richards et al. 2015 PMID: 25741868, with internal and published modifications).

Breakthrough Genomics
Classification: Benign. Review status: criteria provided, single submitter. Criteria: ACMG Guidelines, 2015. Collection method: not provided. Allele origin: germline. Inheritance: Autosomal recessive inheritance. Affected: yes.